The following is an entry in ClinVar:

NM_001371596.2(MFSD8):c.*1794G>T

Gene: MFSD8 (major facilitator superfamily domain containing 8; minus strand). Cytogenetic location: 4q28.2.
Variant type: single nucleotide variant.
Coding change: c.*1794G>T on transcript NM_001371596.2 (MANE Select); 1794 bases downstream of the stop codon, G replaced by T.
Molecular consequence: 3 prime UTR variant.
Genome position (GRCh38, 1-based): chr4:127,918,836, C>A on the plus strand (G>T on the coding strand, the complement: MFSD8 is on the minus strand). VCF-style: chr4-127918836-C-A. GRCh37 (hg19) VCF-style: chr4-128839991-C-A.
Other names: c.*1794G>T (NM_001363520.3, NM_001363521.3, NM_001371590.2 and 7 more transcripts); c.*2923G>T (NM_001410766.1).
Identifiers: ClinVar variation 347525 (VCV000347525.7), dbSNP rs79783621, ClinGen allele CA10620064.

ClinVar aggregate classification (germline): Benign (1 of 4 stars; one submission).

Conditions:
Neuronal ceroid lipofuscinosis 7 (CLN7). Also called: MFSD8-Related Neuronal Ceroid-Lipofuscinosis. Identifiers: Orphanet 168491, Orphanet 228366, MedGen C1838571, MONDO:0012588, OMIM 610951.

Allele frequency attached by ClinVar (database versions not stated): 1000 Genomes Project 0.01438; gnomAD 0.01455 and 0.01573; 1000 Genomes Project 30x 0.01483; TOPMed 0.01628.

Submission:

Illumina Laboratory Services, Illumina
Classification: Benign for Neuronal ceroid lipofuscinosis 7. Last evaluated: 2018-01-12. Review status: criteria provided, single submitter. Criteria: ICSL Variant Classification Criteria 13 December 2019. Collection method: clinical testing. Allele origin: germline.
Comment: This variant was observed in the ICSL laboratory as part of a predisposition screen in an ostensibly healthy population. It had not been previously curated by ICSL or reported in the Human Gene Mutation Database (HGMD: prior to June 1st, 2018), and was therefore a candidate for classification through an automated scoring system. Utilizing variant allele frequency, disease prevalence and penetrance estimates, and inheritance mode, an automated score was calculated to assess if this variant is too frequent to cause the disease. Based on the score and internal cut-off values, a variant classified as benign is not then subjected to further curation. The score for this variant resulted in a classification of benign for this disease.